The following is an entry in ClinVar:

NM_015046.7(SETX):c.5264del (p.Thr1755fs)

Gene: SETX (senataxin; minus strand). Cytogenetic location: 9q34.13.
Variant type: Deletion.
Coding change: c.5264del on transcript NM_015046.7 (MANE Select); coding-DNA position 5264, one base deleted (C; older notation c.5264delC).
Protein change: p.Thr1755fs; shifts the reading frame from threonine 1755.
Molecular consequence: frameshift variant.
Genome position (GRCh38, 1-based): chr9:132,326,334, G deleted on the plus strand (C on the coding strand, the reverse complement: SETX is on the minus strand). VCF-style (leftmost placement, unchanged base first): chr9-132326333-AG-A. GRCh37 (hg19) VCF-style: chr9-135201720-AG-A.
Other names: c.5264del, p.Thr1755fs (NM_001351527.2, NM_001351528.2); short protein forms T1755fs.
Identifiers: ClinVar variation 572675 (VCV000572675.10), dbSNP rs776632212, ClinGen allele CA200806147.

ClinVar aggregate classification (germline): Pathogenic. Review status: criteria provided, multiple submitters, no conflicts (2 of 4 stars). 2 submissions from 2 submitters: Pathogenic (2). Last evaluated 2025-04-11.

Conditions:
Amyotrophic lateral sclerosis type 4 (ALS4). Also called: NEURONOPATHY, DISTAL HEREDITARY MOTOR, WITH PYRAMIDAL FEATURES; AMYOTROPHIC LATERAL SCLEROSIS 4, JUVENILE. Identifiers: Orphanet 357043, MedGen C1865409, MONDO:0011223, OMIM 602433.
Spinocerebellar ataxia, autosomal recessive, with axonal neuropathy 2 (SCAN2). Also called: Ataxia with Oculomotor Apraxia; Ataxia with Oculomotor Apraxia Type 2; Ataxia-ocular apraxia-2; ATAXIA-OCULOMOTOR APRAXIA 2. Identifiers: Orphanet 64753, MedGen C1853761, MONDO:0018996, OMIM 606002.

Allele frequency attached by ClinVar (database versions not stated): gnomAD exomes below 0.00001.

Submissions (2):

Variantyx, Inc.
Classification: Pathogenic for Spinocerebellar ataxia, autosomal recessive, with axonal neuropathy 2. Last evaluated: 2025-04-11. Review status: criteria provided, single submitter. Criteria: Variantyx Assertion Criteria 2022. Collection method: clinical testing. Allele origin: germline. Inheritance: Autosomal recessive inheritance. Affected: no.
Comment: This is a frameshift variant in the SETX gene (OMIM: 608465). Pathogenic variants in this gene have been associated with autosomal recessive spinocerebellar ataxia with axonal neuropathy 2. This variant introduces a premature termination codon in exon 10 out of 26 and is expected to result in loss of function, which is a known disease mechanism for SETX in this disorder (PMID: 14770181, 17159128) (PVS1). This variant has been identified in the compound heterozygous state in at least one individual reported in the published literature (PMID: 17159128, 19696032) (PM3) and has a 0.0004% maximum allele frequency in non-founder control populations (PM2). Based on the current evidence, this variant is classified as pathogenic for autosomal recessive spinocerebellar ataxia with axonal neuropathy 2.

Labcorp Genetics (formerly Invitae), Labcorp
Classification: Pathogenic for Amyotrophic lateral sclerosis type 4; Spinocerebellar ataxia, autosomal recessive, with axonal neuropathy 2. Last evaluated: 2020-01-23. Review status: criteria provided, single submitter. Criteria: Invitae Variant Classification Sherloc (09022015). Collection method: clinical testing. Allele origin: germline.
Comment: This sequence change creates a premature translational stop signal (p.Thr1755Ilefs*31) in the SETX gene. It is expected to result in an absent or disrupted protein product. This variant is not present in population databases (ExAC no frequency). This variant has been reported in individuals affected with autosomal recessive ataxia with oculomotor apraxia (PMID: 17159128, 19696032). Loss-of-function variants in SETX are known to be pathogenic (PMID: 14770181). For these reasons, this variant has been classified as Pathogenic.

Literature cited by the submitters: PubMed 14770181 (cited by Variantyx, Inc. and Labcorp Genetics (formerly Invitae), Labcorp); PubMed 17159128 (cited by Variantyx, Inc. and Labcorp Genetics (formerly Invitae), Labcorp); PubMed 19696032 (cited by Variantyx, Inc. and Labcorp Genetics (formerly Invitae), Labcorp).